The following is an entry in ClinVar:

NM_000368.5(TSC1):c.518C>T (p.Ala173Val)

Gene: TSC1 (TSC complex subunit 1; minus strand). Cytogenetic location: 9q34.13.
Variant type: single nucleotide variant.
Coding change: c.518C>T on transcript NM_000368.5 (MANE Select); coding-DNA position 518, C replaced by T.
Protein change: p.Ala173Val; replaces alanine 173 with valine.
Molecular consequence: missense variant.
Genome position (GRCh38, 1-based): chr9:132,921,964, G>A on the plus strand (C>T on the coding strand, the complement: TSC1 is on the minus strand). VCF-style: chr9-132921964-G-A. GRCh37 (hg19) VCF-style: chr9-135797351-G-A.
Other names: c.518C>T, p.Ala173Val (NM_001162426.2); c.365C>T, p.Ala122Val (NM_001162427.2); c.155C>T, p.Ala52Val (NM_001362177.2); short protein forms A173V, A122V, A52V.
Identifiers: ClinVar variation 486571 (VCV000486571.49), dbSNP rs777484049, ClinGen allele CA037947.
Genomic context (GRCh38, chr9:132,921,964, plus strand): 5'-CCATAAAGGCGATGAAAGAGTGCGTACACACTGGCATGGAGATGGACGAGATAGACTTCC[G>A]CCACGTGGCCTAGAAAAGGAACCCGTTGAGAAGAGCCTCTTAGTTGGAGACAGATTGAGG-3'
Protein context (NP_000359.1, residues 163-183): SWCLKKPGHV[Ala173Val]EVYLVHLHAS

ClinVar aggregate classification (germline): Conflicting classifications of pathogenicity. Review status: criteria provided, conflicting classifications (1 of 4 stars). 9 submissions from 9 submitters: Uncertain significance (2); Benign (1); Likely benign (6). Last evaluated 2026-09-01.

Conditions:
Tuberous sclerosis 1 (TSC1). Identifiers: Orphanet 805, MedGen C1854465, MONDO:0008612, OMIM 191100.
TSC1-related disorder. Also called: TSC1-related condition.
Isolated focal cortical dysplasia type II (FCORD2). Also called: CORTICAL DYSPLASIA OF TAYLOR; Focal cortical dysplasia type II. Identifiers: Orphanet 268994, MedGen C1846385, MONDO:0011818, OMIM 607341, HP:0032051.
Lymphangiomyomatosis (LAM). Also called: Lymphangioleiomyomatosis, somatic; Lymphangioleiomyomatosis. Identifiers: Orphanet 538, MedGen C0751674, MONDO:0011705, OMIM 606690.
Hereditary cancer-predisposing syndrome. Also called: Hereditary neoplastic syndrome; Neoplastic Syndromes, Hereditary; Hereditary Cancer Syndrome; Tumor predisposition. Identifiers: Orphanet 140162, MedGen C0027672, MeSH D009386, MONDO:0015356.
Tuberous sclerosis syndrome (TSC). Also called: Tuberous Sclerosis Complex; Tuberous sclerosis. Identifiers: Orphanet 805, MedGen C0041341, MONDO:0001734.

Allele frequency attached by ClinVar (database versions not stated): gnomAD 0.00001; ExAC 0.00002; gnomAD exomes 0.00002; TOPMed 0.00002.
gnomAD v4.1: 30 of 1,613,954 alleles (0.0019%); highest among the groups gnomAD compares: East Asian, 0.0045%; no homozygotes.

Submissions (9):

PreventionGenetics, part of Exact Sciences
Classification: Likely benign for TSC1-related condition. Last evaluated: 2026-09-01. Review status: criteria provided, single submitter. Criteria: ACMG Guidelines, 2015. Collection method: clinical testing. Allele origin: germline.
Comment: This variant is classified as likely benign based on ACMG/AMP sequence variant interpretation guidelines (Richards et al. 2015 PMID: 25741868, with internal and published modifications).

CeGaT Center for Human Genetics Tuebingen
Classification: Likely benign. Last evaluated: 2026-03-01. Review status: criteria provided, single submitter. Criteria: CeGaT Center For Human Genetics Tuebingen Variant Classification Criteria Version 2. Collection method: clinical testing. Allele origin: germline. Affected: yes. Observed: 2 variant alleles.
Comment: TSC1: PP2, BS2

Labcorp Genetics (formerly Invitae), Labcorp
Classification: Benign for Tuberous sclerosis 1. Last evaluated: 2026-01-28. Review status: criteria provided, single submitter. Criteria: Invitae Variant Classification Sherloc (09022015). Collection method: clinical testing. Allele origin: germline.

Myriad Genetics, Inc.
Classification: Likely benign for Tuberous sclerosis 1. Last evaluated: 2024-08-23. Review status: criteria provided, single submitter. Criteria: Myriad Autosomal Dominant, Autosomal Recessive and X-Linked Classification Criteria (2023). Collection method: clinical testing. Allele origin: unknown.
Comment: This variant is considered likely benign. This variant has been observed at a population frequency that is significantly greater than expected given the associated disease prevalence and penetrance.

Color Diagnostics, LLC DBA Color Health
Classification: Likely benign for Tuberous sclerosis syndrome. Last evaluated: 2022-05-19. Review status: criteria provided, single submitter. Criteria: ACMG Guidelines, 2015. Collection method: clinical testing. Allele origin: germline.

Genome-Nilou Lab
Classification: Likely benign for Tuberous sclerosis 1. Last evaluated: 2021-11-07. Review status: criteria provided, single submitter. Criteria: ACMG Guidelines, 2015. Collection method: clinical testing. Allele origin: germline. Affected: no.

Sema4
Classification: Uncertain significance for Hereditary cancer-predisposing syndrome. Last evaluated: 2021-10-08. Review status: criteria provided, single submitter. Criteria: Sema4 Curation Guidelines. Collection method: curation. Allele origin: germline.
Comment: The TSC1 c.518C>T (p.A173V) variant has not been reported in the literature to our knowledge. This variant was observed in 2/18392 chromosomes in the East Asian subpopulation, according to the Genome Aggregation Database (PMID: 32461654). This variant has been reported in ClinVar (Variation ID 486571). Functional studies have not been performed, and in silico predictions of the variant's effect on protein function are inconclusive. Based on the current evidence available, this variant is interpreted as a variant of uncertain significance.

Ambry Genetics
Classification: Likely benign for Hereditary cancer-predisposing syndrome. Last evaluated: 2020-10-05. Review status: criteria provided, single submitter. Criteria: Ambry Variant Classification Scheme 2023. Collection method: clinical testing. Allele origin: germline.

Fulgent Genetics
Classification: Uncertain significance for Tuberous sclerosis 1; Lymphangiomyomatosis; Isolated focal cortical dysplasia type II. Last evaluated: 2018-10-31. Review status: criteria provided, single submitter. Criteria: ACMG Guidelines, 2015. Collection method: clinical testing. Allele origin: unknown.